The following is an entry in ClinVar:

NM_000218.3(KCNQ1):c.1128+5G>A

Gene: KCNQ1 (potassium voltage-gated channel subfamily Q member 1; plus strand). Cytogenetic location: 11p15.5.
Variant type: single nucleotide variant.
Coding change: c.1128+5G>A on transcript NM_000218.3 (MANE Select); 5 bases into the intron after coding-DNA position 1128, G replaced by A.
Molecular consequence: intron variant.
Genome position (GRCh38, 1-based): chr11:2,585,312, G>A. VCF-style: chr11-2585312-G-A. GRCh37 (hg19) VCF-style: chr11-2606542-G-A.
Other names: c.858+5G>A (NM_001406837.1); c.1032+1767G>A (NM_001406836.1); c.588+1767G>A (NM_001406838.1); c.747+5G>A (NM_181798.2).
Identifiers: ClinVar variation 200842 (VCV000200842.31), dbSNP rs76735093, ClinGen allele CA005367.

ClinVar aggregate classification (germline): Conflicting classifications of pathogenicity. Review status: criteria provided, conflicting classifications (1 of 4 stars). 10 submissions from 10 submitters: Uncertain significance (7); Likely benign (3). Last evaluated 2025-12-03.

Conditions:
Cardiovascular phenotype. Identifiers: MedGen CN230736.
Cardiac arrhythmia. Also called: Arrhythmia; Cardiac rhythm disease. Identifiers: MedGen C0003811, MONDO:0007263, HP:0011675.
Beckwith-Wiedemann syndrome (BWS). Also called: Exomphalos macroglossia gigantism syndrome; EMG SYNDROME. Identifiers: Orphanet 116, MedGen C0004903, MONDO:0007534, OMIM 130650.
Jervell and Lange-Nielsen syndrome 1 (JLNS1). Also called: CARDIOAUDITORY SYNDROME OF JERVELL AND LANGE-NIELSEN; DEAFNESS, CONGENITAL, AND FUNCTIONAL HEART DISEASE; SURDO-CARDIAC SYNDROME; PROLONGED QT INTERVAL IN EKG AND SUDDEN DEATH. Identifiers: Orphanet 768, Orphanet 90647, MedGen C4551509, MONDO:0024540, OMIM 220400.
Long QT syndrome 1 (LQT1). Identifiers: Orphanet 101016, Orphanet 768, MedGen C4551647, MONDO:0100316, OMIM 192500, MONDO:0008646.
Short QT syndrome type 2. Identifiers: Orphanet 51083, MedGen C1865019, MONDO:0012313, OMIM 609621.
Atrial fibrillation, familial, 3 (ATFB3). Identifiers: MedGen C1837014, MONDO:0011857, OMIM 607554.
Long QT syndrome (LQTS). Identifiers: MedGen C0023976, MeSH D008133, MONDO:0002442. Disease mechanism: loss of function. Inheritance: Various modes of inheritance.
Hearing impairment. Also called: Impaired Hearing. Identifiers: MedGen C1384666, MONDO:0005365, HP:0000365.

Allele frequency attached by ClinVar (database versions not stated): gnomAD 0.00002; TOPMed 0.00015.
gnomAD v4.1: 69 of 1,612,428 alleles (0.0043%); highest among the groups gnomAD compares: East Asian, 0.14%; no homozygotes.

Submissions (10):

Labcorp Genetics (formerly Invitae), Labcorp
Classification: Likely benign for Long QT syndrome. Last evaluated: 2025-12-03. Review status: criteria provided, single submitter. Criteria: Invitae Variant Classification Sherloc (09022015). Collection method: clinical testing. Allele origin: germline.

Molecular Diagnostic Laboratory for Inherited Cardiovascular Disease, Montreal Heart Institute
Classification: Uncertain significance for Cardiovascular phenotype. Last evaluated: 2025-04-09. Review status: criteria provided, single submitter. Criteria: ACMG Guidelines, 2015. Collection method: clinical testing. Allele origin: germline. Affected: yes.

Blueprint Genetics
Classification: Uncertain significance. Last evaluated: 2024-11-26. Review status: criteria provided, single submitter. Criteria: ACMG Guidelines, 2015. Collection method: clinical testing. Allele origin: germline.

Color Diagnostics, LLC DBA Color Health
Classification: Likely benign for Cardiac arrhythmia. Last evaluated: 2024-03-04. Review status: criteria provided, single submitter. Criteria: ACMG Guidelines, 2015. Collection method: clinical testing. Allele origin: germline.

GeneDx
Classification: Uncertain significance. Last evaluated: 2024-02-23. Review status: criteria provided, single submitter. Criteria: GeneDx Variant Classification Process June 2021. Collection method: clinical testing. Allele origin: germline. Affected: yes.
Comment: In-silico analysis is inconclusive as to whether the variant alters gene splicing. In the absence of RNA/functional studies, the actual effect of this sequence change is unknown.; This variant is associated with the following publications: (PMID: 25525159, 19716085, 27707468)

All of Us Research Program, National Institutes of Health
Classification: Uncertain significance for Long QT syndrome. Last evaluated: 2023-12-01. Review status: criteria provided, single submitter. Criteria: ACMG Guidelines, 2015. Collection method: clinical testing. Allele origin: germline. Inheritance: Autosomal dominant inheritance. Observed: 6 variant alleles, 6 heterozygotes.
Comment: This variant causes a G>A nucleotide substitution at the +5 position of intron 8 of the KCNQ1 gene. Splice site prediction tools predict that this variant may have a significant impact on RNA splicing. To our knowledge, functional studies have not been performed for this variant. This variant has been reported in an individual suspected of having long QT syndrome (PMID: 19716085). This variant has been identified in 21/250776 chromosomes (17/18388 East Asian chromosomes) in the general population by the Genome Aggregation Database (gnomAD). The available evidence is insufficient to determine the role of this variant in disease conclusively. Therefore, this variant is classified as a Variant of Uncertain Significance.

This study involves interpretation of variants in research participants for the purpose of population health screening. Participant phenotype was not available at the time of variant classification. Additional details can be found in publication PMID: 35346344, PMCID: PMC8962531

Ambry Genetics
Classification: Likely benign for Cardiovascular phenotype. Last evaluated: 2023-01-11. Review status: criteria provided, single submitter. Criteria: Ambry Variant Classification Scheme 2023. Collection method: clinical testing. Allele origin: germline.

Department of Otolaryngology – Head & Neck Surgery, Cochlear Implant Center
Classification: Uncertain significance for Hearing impairment. Last evaluated: 2021-04-12. Review status: criteria provided, single submitter. Criteria: ClinGen HL ACMG Specifications v1. Collection method: clinical testing. Allele origin: germline. Affected: yes.
Comment: PM2_Supporting, BP4_Supporting

Laboratory for Molecular Medicine, Mass General Brigham Personalized Medicine
Classification: Uncertain significance. Last evaluated: 2019-05-02. Review status: criteria provided, single submitter. Criteria: ACMG Guidelines, 2015. Collection method: clinical testing. Allele origin: germline.
Comment: Disclaimer: This variant has not undergone full assessment. The following are preliminary notes: Identified in 17/18388 East Asian chromosomes in gnomAD. Present in ClinVar (ID 200842, Uncertain significance by 1 clincal lab). Reported in 1 individual with LQTS (Kapplinger 2009) and in 1 individual with unexplained nocturnal death syndrome (Zhang 2016) who also carried a missense variant in ABCC9 (Zhang 2016). Computational prediction tools and conservation analysis do not provide strong support for or against an impact to the protein. In summary, the clinical significance of the variant is uncertain.

Fulgent Genetics
Classification: Uncertain significance for Beckwith-Wiedemann syndrome; Long QT syndrome 1; Jervell and Lange-Nielsen syndrome 1; Atrial fibrillation, familial, 3; Short QT syndrome type 2. Last evaluated: 2018-10-31. Review status: criteria provided, single submitter. Criteria: ACMG Guidelines, 2015. Collection method: clinical testing. Allele origin: unknown.

Literature cited by the submitters: PubMed 19716085 (cited by 4 submitters); PubMed 27707468 (cited by Ambry Genetics); PubMed 23788249 (cited by Department of Otolaryngology – Head & Neck Surgery, Cochlear Implant Center); PubMed 25525159 (cited by Department of Otolaryngology – Head & Neck Surgery, Cochlear Implant Center).